The following is an entry in ClinVar:

NM_001101426.4(CRPPA):c.534+13T>A

Gene: CRPPA (CDP-L-ribitol pyrophosphorylase A; minus strand). Cytogenetic location: 7p21.2.
Variant type: single nucleotide variant.
Coding change: c.534+13T>A on transcript NM_001101426.4 (MANE Select); 13 bases into the intron after coding-DNA position 534, T replaced by A.
Molecular consequence: intron variant.
Genome position (GRCh38, 1-based): chr7:16,406,048, A>T on the plus strand (T>A on the coding strand, the complement: CRPPA is on the minus strand). VCF-style: chr7-16406048-A-T. GRCh37 (hg19) VCF-style: chr7-16445673-A-T.
Other names: p.?; c.534+13T>A (NM_001101417.4, NM_001368197.1).
Identifiers: ClinVar variation 226675 (VCV000226675.24), dbSNP rs6461252, ClinGen allele CA4169585.

ClinVar aggregate classification (germline): Benign. Review status: criteria provided, multiple submitters, no conflicts (2 of 4 stars). 11 submissions from 11 submitters: Benign (7). 4 of the submissions do not count toward it. Last evaluated 2026-02-04.

Conditions:
Congenital Muscular Dystrophy, alpha-dystroglycan related.
Muscular dystrophy-dystroglycanopathy (congenital with brain and eye anomalies), type A, 7. Also called: WALKER-WARBURG SYNDROME OR MUSCLE-EYE-BRAIN DISEASE, ISPD-RELATED; Congenital muscular dystrophy-dystroglycanopathy with brain and eye anomalies, type A7. Identifiers: Orphanet 899, MedGen C3553330, MONDO:0013835, OMIM 614643.
Autosomal recessive limb-girdle muscular dystrophy type 2U. Also called: MUSCULAR DYSTROPHY, LIMB-GIRDLE, TYPE 2U; Muscular dystrophy-dystroglycanopathy (limb-girdle), type c, 7. Identifiers: Orphanet 352479, MedGen C5190987, MONDO:0014474, OMIM 616052.

Allele frequency attached by ClinVar (database versions not stated): gnomAD exomes 0.42148 and 0.45174; ESP Exome Variant Server 0.46980; ExAC 0.47146; gnomAD 0.47530 and 0.47753; TOPMed 0.48547; 1000 Genomes Project 0.53415; 1000 Genomes Project 30x 0.53670.
gnomAD v4.1: 686,526 of 1,606,504 alleles (43%); highest among the groups gnomAD compares: African/African-American, 64%; 150,788 homozygotes.

Submissions (11):

Labcorp Genetics (formerly Invitae), Labcorp
Classification: Benign for Muscular dystrophy-dystroglycanopathy (congenital with brain and eye anomalies), type A, 7; Autosomal recessive limb-girdle muscular dystrophy type 2U. Last evaluated: 2026-02-04. Review status: criteria provided, single submitter. Criteria: Invitae Variant Classification Sherloc (09022015). Collection method: clinical testing. Allele origin: germline.

Blueprint Genetics
Classification: Benign. Last evaluated: 2024-11-27. Review status: criteria provided, single submitter. Criteria: ACMG Guidelines, 2015. Collection method: clinical testing. Allele origin: germline.

Mayo Clinic Laboratories, Mayo Clinic
Classification: Benign. Last evaluated: 2018-10-02. Review status: criteria provided, single submitter. Criteria: ACMG Guidelines, 2015. Collection method: clinical testing. Allele origin: germline. Observed: 27 variant alleles.

Illumina Laboratory Services, Illumina
Classification: Benign for Congenital Muscular Dystrophy, alpha-dystroglycan related. Last evaluated: 2018-01-13. Review status: criteria provided, single submitter. Criteria: ICSL Variant Classification Criteria 13 December 2019. Collection method: clinical testing. Allele origin: germline.
Comment: This variant was observed in the ICSL laboratory as part of a predisposition screen in an ostensibly healthy population. It had not been previously curated by ICSL or reported in the Human Gene Mutation Database (HGMD: prior to June 1st, 2018), and was therefore a candidate for classification through an automated scoring system. Utilizing variant allele frequency, disease prevalence and penetrance estimates, and inheritance mode, an automated score was calculated to assess if this variant is too frequent to cause the disease. Based on the score and internal cut-off values, a variant classified as benign is not then subjected to further curation. The score for this variant resulted in a classification of benign for this disease.

GeneDx
Classification: Benign. Last evaluated: 2016-01-05. Review status: criteria provided, single submitter. Criteria: GeneDx Variant Classification (06012015). Collection method: clinical testing. Allele origin: germline. Affected: yes.
Comment: This variant is considered likely benign or benign based on one or more of the following criteria: it is a conservative change, it occurs at a poorly conserved position in the protein, it is predicted to be benign by multiple in silico algorithms, and/or has population frequency not consistent with disease.

Laboratory for Molecular Medicine, Mass General Brigham Personalized Medicine
Classification: Benign. Last evaluated: 2014-11-24. Review status: criteria provided, single submitter. Criteria: LMM Criteria. Collection method: clinical testing. Allele origin: germline. Observed: 8 variant alleles.
Comment: 534+13T>A in intron 2 of ISPD: This variant is not expected to have clinical sig nificance because it is not located within the conserved splice consensus sequen ce. It has been identified in 39.3% (3235/8230) of European American chromosomes from a broad population by the NHLBI Exome Sequencing Project (dbSNP rs6461252).

PreventionGenetics, part of Exact Sciences
Classification: Benign. Review status: criteria provided, single submitter. Criteria: ACMG Guidelines, 2015. Collection method: clinical testing. Allele origin: germline.

Clinical Genetics DNA and cytogenetics Diagnostics Lab, Erasmus MC, Erasmus Medical Center
Classification: Benign. Review status: no assertion criteria provided. Collection method: clinical testing. Allele origin: germline. Affected: yes. Study: VKGL Data-share Consensus. Not counted in ClinVar's aggregate classification.

Clinical Genetics, Academic Medical Center
Classification: Benign. Review status: no assertion criteria provided. Collection method: clinical testing. Allele origin: germline. Affected: yes. Study: VKGL Data-share Consensus. Not counted in ClinVar's aggregate classification.

Diagnostic Laboratory, Department of Genetics, University Medical Center Groningen
Classification: Benign for Muscular dystrophy-dystroglycanopathy (congenital with brain and eye anomalies), type A, 7. Review status: no assertion criteria provided. Collection method: clinical testing. Allele origin: germline. Affected: yes. Study: VKGL Data-share Consensus. Not counted in ClinVar's aggregate classification.

Joint Genome Diagnostic Labs from Nijmegen and Maastricht, Radboudumc and MUMC+
Classification: Benign. Review status: no assertion criteria provided. Collection method: clinical testing. Allele origin: germline. Affected: yes. Study: VKGL Data-share Consensus. Not counted in ClinVar's aggregate classification.